The following is an entry in ClinVar:

NM_000038.6(APC):c.1378G>T (p.Glu460Ter)

Gene: APC (APC regulator of Wnt signaling pathway; plus strand). Cytogenetic location: 5q22.2.
Variant type: single nucleotide variant.
Coding change: c.1378G>T on transcript NM_000038.6 (MANE Select); coding-DNA position 1378, G replaced by T.
Protein change: p.Glu460Ter; replaces glutamic acid 460 with a stop codon.
Molecular consequence: nonsense. On other transcripts: non-coding transcript variant (2).
Genome position (GRCh38, 1-based): chr5:112,821,961, G>T. VCF-style: chr5-112821961-G-T. GRCh37 (hg19) VCF-style: chr5-112157658-G-T.
Other names: c.1378G>T, p.Glu460Ter (NM_001127510.3, NM_001354895.2, NM_001354896.2 and 4 more transcripts); c.1324G>T, p.Glu442Ter (NM_001127511.3); c.1408G>T, p.Glu470Ter (NM_001354897.2, NM_001407446.1); c.1303G>T, p.Glu435Ter (NM_001354898.2, NM_001407451.1); c.1294G>T, p.Glu432Ter (NM_001354899.2, NM_001407452.1); c.1201G>T, p.Glu401Ter (NM_001354900.2, NM_001354901.2, NM_001407453.1); c.1105G>T, p.Glu369Ter (NM_001354902.2); c.1075G>T, p.Glu359Ter (NM_001354903.2, NM_001407454.1, NM_001407455.1 and 5 more transcripts); and 6 more; short protein forms E177*, E300*, E331*, E334*, E359*, E369*, E401*, E432*.
Identifiers: ClinVar variation 2584095 (VCV002584095.2), dbSNP rs786203718, ClinGen allele CA16024323.

ClinVar aggregate classification (germline): Pathogenic. Review status: criteria provided, multiple submitters, no conflicts (2 of 4 stars). 2 submissions from 2 submitters: Pathogenic (2). Last evaluated 2024-10-08.

Conditions:
Familial adenomatous polyposis 1 (FAP1). Also called: FAMILIAL ADENOMATOUS POLYPOSIS 1, ATTENUATED; POLYPOSIS, ADENOMATOUS INTESTINAL. Identifiers: MedGen C2713442, MONDO:0021056, OMIM 175100. Disease mechanism: loss of function.
Hereditary cancer-predisposing syndrome. Also called: Hereditary neoplastic syndrome; Tumor predisposition; Hereditary Cancer Syndrome; Neoplastic Syndromes, Hereditary. Identifiers: Orphanet 140162, MedGen C0027672, MeSH D009386, MONDO:0015356.

Submissions (2):

Ambry Genetics
Classification: Pathogenic for Hereditary cancer-predisposing syndrome. Last evaluated: 2024-10-08. Review status: criteria provided, single submitter. Criteria: Ambry Variant Classification Scheme 2023. Collection method: clinical testing. Allele origin: germline.
Comment: The p.E460* pathogenic mutation (also known as c.1378G>T), located in coding exon 10 of the APC gene, results from a G to T substitution at nucleotide position 1378. This changes the amino acid from a glutamic acid to a stop codon within coding exon 10. This variant has been observed in multiple individuals with a personal and/or family history that is consistent with APC-related familial adenomatous polyposis (Jung SM et al. World J Gastroenterol, 2016 May;22:4380-8; Ambry internal data). This variant is considered to be rare based on population cohorts in the Genome Aggregation Database (gnomAD). In addition to the clinical data presented in the literature, this alteration is expected to result in loss of function by premature protein truncation or nonsense-mediated mRNA decay. As such, this alteration is interpreted as a disease-causing mutation.

Myriad Genetics, Inc.
Classification: Pathogenic for Familial adenomatous polyposis 1. Last evaluated: 2023-05-01. Review status: criteria provided, single submitter. Criteria: Myriad Autosomal Dominant, Autosomal Recessive and X-Linked Classification Criteria (2023). Collection method: clinical testing. Allele origin: unknown.
Comment: This variant is considered pathogenic. This variant creates a termination codon and is predicted to result in premature protein truncation.

Literature cited by the submitters: PubMed 27158207 (cited by Ambry Genetics).